The following continues an entry in ClinVar:

NM_007294.4(BRCA1):c.191G>A (p.Cys64Tyr)

Gene: BRCA1. ClinVar aggregate classification (germline): Pathogenic. Pathogenic (1).

Submissions 23 to 31 of 31:

KCCC/NGS Laboratory, Kuwait Cancer Control Center
Classification: Pathogenic for Breast-ovarian cancer, familial, susceptibility to, 1. Last evaluated: 2023-05-05. Review status: no assertion criteria provided. Collection method: clinical testing. Allele origin: germline. Affected: yes. Not counted in ClinVar's aggregate classification.
Comment: The pathogenic BRCA1 Cys64Tyr was detected in this specimen. This sequence change replaces cysteine with tyrosine at codon 64 of the BRCA1 protein (p.Cys64Tyr). The cysteine residue is highly conserved and there is a large physicochemical difference between cysteine and tyrosine. This variant is not present in population databases (ExAC no frequency). This variant has been reported to segregate with hereditary breast and ovarian cancer in two families (PMID: 15131401), and has been observed in numerous individuals with breast and/or ovarian cancer (PMID: 22034289, 23397983, 18489799, 19949876, 25085752). ClinVar contains an entry for this variant (Variation ID: 54400). Experimental studies have shown that this missense change abolishes E3 ubiquitin ligase activity (PMID: 11320250). This missense change is located at a functionally conserved residue within the RING domain of the BRCA1 protein (PMID: 8944023, 11526114), and a significant number of previously reported BRCA1 missense mutations have been found at this residue (PMID: 7894491, 19287957, 24516540, 23161852). Based on multifactorial likelihood algorithms using individuals' personal and family history of cancer, this variant has been determined to have a high probability of being pathogenic (PMID: 25085752, 18418466). Therefore, this variant has been classified as Pathogenic .

Counsyl
Classification: Likely pathogenic for Breast-ovarian cancer, familial, susceptibility to, 1. Last evaluated: 2016-11-17. Review status: no assertion criteria provided. Collection method: clinical testing. Allele origin: unknown. Not counted in ClinVar's aggregate classification.

Research Molecular Genetics Laboratory, Women's College Hospital, University of Toronto
Classification: Pathogenic for Hereditary breast ovarian cancer syndrome. Last evaluated: 2014-01-31. Review status: no assertion criteria provided. Collection method: research. Allele origin: germline. Affected: yes. Study: The Canadian Open Genetics Repository (COGR). Not counted in ClinVar's aggregate classification.

Sharing Clinical Reports Project (SCRP)
Classification: Pathogenic for Breast-ovarian cancer, familial 1. Last evaluated: 2013-05-28. Review status: no assertion criteria provided. Collection method: clinical testing. Allele origin: germline. Not counted in ClinVar's aggregate classification.

Breast Cancer Information Core (BIC) (BRCA1)
Classification: Pathogenic for Breast-ovarian cancer, familial 1. Last evaluated: 2002-05-29. Review status: no assertion criteria provided. Collection method: clinical testing. Allele origin: germline. Affected: yes. Observed: 20 variant alleles. Not counted in ClinVar's aggregate classification.

Brotman Baty Institute, University of Washington
No classification provided (evidence only). Condition: Breast-ovarian cancer, familial 1. Review status: no classification provided. Collection method: in vitro. Allele origin: not applicable. Functional consequence: functionally_abnormal. Not counted in ClinVar's aggregate classification.
ClinVar note: "not provided" was previously submitted as the classification for the variant. However, the classification appeared to be based only on an observation of functional data so it was converted to no classification on 2025-07-30.

Clinical Genetics DNA and cytogenetics Diagnostics Lab, Erasmus MC, Erasmus Medical Center
Classification: Pathogenic. Review status: no assertion criteria provided. Collection method: clinical testing. Allele origin: germline. Affected: yes. Study: VKGL Data-share Consensus. Not counted in ClinVar's aggregate classification.

Diagnostic Laboratory, Department of Genetics, University Medical Center Groningen
Classification: Pathogenic for Breast-ovarian cancer, familial, susceptibility to, 1. Review status: no assertion criteria provided. Collection method: clinical testing. Allele origin: germline. Affected: yes. Study: VKGL Data-share Consensus. Not counted in ClinVar's aggregate classification.

Joint Genome Diagnostic Labs from Nijmegen and Maastricht, Radboudumc and MUMC+
Classification: Pathogenic. Review status: no assertion criteria provided. Collection method: clinical testing. Allele origin: germline. Affected: yes. Study: VKGL Data-share Consensus. Not counted in ClinVar's aggregate classification.

Literature cited by the submitters: PubMed 30209399 (cited by 8 submitters); PubMed 15131401 (cited by 4 submitters); PubMed 18489799 (cited by 4 submitters); PubMed 19949876 (cited by 3 submitters); PubMed 22034289 (cited by 5 submitters); PubMed 23397983 (cited by 5 submitters); PubMed 25085752 (cited by 5 submitters); PubMed 7894491 (cited by Labcorp Genetics (formerly Invitae), Labcorp and Quest Diagnostics Nichols Institute San Juan Capistrano); PubMed 8944023 (cited by Labcorp Genetics (formerly Invitae), Labcorp and Quest Diagnostics Nichols Institute San Juan Capistrano); PubMed 11320250 (cited by 6 submitters); PubMed 11526114 (cited by Labcorp Genetics (formerly Invitae), Labcorp); PubMed 19287957 (cited by Labcorp Genetics (formerly Invitae), Labcorp and Quest Diagnostics Nichols Institute San Juan Capistrano); PubMed 23161852 (cited by Labcorp Genetics (formerly Invitae), Labcorp and Quest Diagnostics Nichols Institute San Juan Capistrano); PubMed 24516540 (cited by 3 submitters); PubMed 32073954 (cited by Quest Diagnostics Nichols Institute San Juan Capistrano); PubMed 37851290 (cited by Quest Diagnostics Nichols Institute San Juan Capistrano); PubMed 8807330 (cited by Quest Diagnostics Nichols Institute San Juan Capistrano); PubMed 27272900 (cited by 4 submitters); PubMed 25823446 (cited by 5 submitters); PubMed 22753008 (cited by Quest Diagnostics Nichols Institute San Juan Capistrano and Ambry Genetics); PubMed 18418466 (cited by Quest Diagnostics Nichols Institute San Juan Capistrano and Women's Health and Genetics/Laboratory Corporation of America, LabCorp); PubMed 31131967 (cited by 3 submitters); PubMed 15235020 (cited by Ambry Genetics and Counsyl); PubMed 18783588 (cited by Ambry Genetics); PubMed 21232165 (cited by Ambry Genetics); PubMed 22505045 (cited by 3 submitters); PubMed 28740454 (cited by Ambry Genetics); PubMed 30322717 (cited by Ambry Genetics); PubMed 29446198 (cited by Mayo Clinic Laboratories, Mayo Clinic and Women's Health and Genetics/Laboratory Corporation of America, LabCorp); PubMed 33087888 (cited by Mayo Clinic Laboratories, Mayo Clinic); PubMed 9699523 (cited by Color Diagnostics, LLC DBA Color Health and Women's Health and Genetics/Laboratory Corporation of America, LabCorp); PubMed 11015464 (cited by Color Diagnostics, LLC DBA Color Health and Women's Health and Genetics/Laboratory Corporation of America, LabCorp); PubMed 12732733 (cited by Color Diagnostics, LLC DBA Color Health and Women's Health and Genetics/Laboratory Corporation of America, LabCorp); PubMed 14760071 (cited by Color Diagnostics, LLC DBA Color Health and Women's Health and Genetics/Laboratory Corporation of America, LabCorp); PubMed 23192404 (cited by 3 submitters); PubMed 16267036 (cited by Women's Health and Genetics/Laboratory Corporation of America, LabCorp); PubMed 20104584 (cited by KCCC/NGS Laboratory, Kuwait Cancer Control Center); PubMed 11106241 (cited by Counsyl); PubMed 22923021 (cited by Counsyl).